The following is an entry in ClinVar:

ClinVar aggregate classification (germline): Pathogenic. Review status: criteria provided, multiple submitters, no conflicts (2 of 4 stars). 2 submissions from 2 submitters: Pathogenic (2). Last evaluated 2026-02-04.

Conditions:
Cohen syndrome (COH1). Also called: Cutis verticis gyrata, retinitis pigmentosa, and sensorineural deafness; PEPPER SYNDROME. Identifiers: Orphanet 193, MedGen C0265223, MONDO:0008999, OMIM 216550.

Submissions (2):

Myriad Genetics, Inc.
Classification: Pathogenic for Cohen syndrome. Last evaluated: 2026-02-04. Review status: criteria provided, single submitter. Criteria: Myriad Autosomal Dominant, Autosomal Recessive and X-Linked Classification Criteria (2023). Collection method: clinical testing. Allele origin: unknown.
Comment: NM_017890.4(VPS13B):c.11050delC(R3684Gfs*7) is a missense variant classified as pathogenic in the context of Cohen syndrome. R3684Gfs*7 has not been observed in cases with relevant disease. Relevant functional assessments of this variant are not available in the literature. R3684Gfs*7 has not been observed in referenced population frequency databases. In summary, NM_017890.4(VPS13B):c.11050delC(R3684Gfs*7) is a missense variant in a gene where loss of function is a known mechanism of disease and is predicted to disrupt protein function. Please note: this variant was assessed in the context of healthy population screening.

Labcorp Genetics (formerly Invitae), Labcorp
Classification: Pathogenic for Cohen syndrome. Last evaluated: 2024-03-17. Review status: criteria provided, single submitter. Criteria: Invitae Variant Classification Sherloc (09022015). Collection method: clinical testing. Allele origin: germline.
Comment: This sequence change creates a premature translational stop signal (p.Arg3684Glyfs*7) in the VPS13B gene. It is expected to result in an absent or disrupted protein product. Loss-of-function variants in VPS13B are known to be pathogenic (PMID: 15141358, 16648375, 20461111). This variant is not present in population databases (gnomAD no frequency). This variant has not been reported in the literature in individuals affected with VPS13B-related conditions. ClinVar contains an entry for this variant (Variation ID: 1069655). For these reasons, this variant has been classified as Pathogenic.

Literature cited by the submitters: PubMed 15141358 (cited by Labcorp Genetics (formerly Invitae), Labcorp); PubMed 16648375 (cited by Labcorp Genetics (formerly Invitae), Labcorp); PubMed 20461111 (cited by Labcorp Genetics (formerly Invitae), Labcorp).

NM_152564.5(VPS13B):c.10975del (p.Arg3659fs)

Gene: VPS13B (vacuolar protein sorting 13 homolog B; plus strand). Cytogenetic location: 8q22.2.
Variant type: Deletion.
Coding change: c.10975del on transcript NM_152564.5 (MANE Select); coding-DNA position 10975, one base deleted (C; older notation c.10975delC).
Protein change: p.Arg3659fs; shifts the reading frame from arginine 3659.
Molecular consequence: frameshift variant.
Genome position (GRCh38, 1-based): chr8:99,859,411, C deleted; the last of 3 consecutive C bases (chr8:99,859,409-99,859,411); deleting any one gives the same sequence. VCF-style (leftmost placement, unchanged base first): chr8-99859408-AC-A. GRCh37 (hg19) VCF-style: chr8-100871636-AC-A.
Other names: c.11050del, p.Arg3684fs (NM_017890.5); short protein forms R3659fs, R3684fs.
Identifiers: ClinVar variation 1069655 (VCV001069655.8), dbSNP rs1816713664, ClinGen allele CA2497231613.